The following is an entry in ClinVar:

ClinVar aggregate classification (germline): Likely pathogenic. Review status: criteria provided, single submitter (1 of 4 stars). 2 submissions from 2 submitters: Likely pathogenic (1). 1 of the submissions does not count toward it. Last evaluated 2024-10-24.

Conditions:
Autosomal recessive nonsyndromic hearing loss 3. Also called: NEUROSENSORY NONSYNDROMIC RECESSIVE DEAFNESS 3. Identifiers: Orphanet 90636, MedGen C1838263, MONDO:0010860, OMIM 600316.

Allele frequency attached by ClinVar (database versions not stated): gnomAD exomes below 0.00001; ExAC 0.00001; ESP Exome Variant Server 0.00008.
gnomAD v4.1: 5 of 1,613,730 alleles (0.00031%); highest among the groups gnomAD compares: Non-Finnish European, 0.00034%; no homozygotes.

Submissions (2):

GeneDx
Classification: Likely pathogenic. Last evaluated: 2024-10-24. Review status: criteria provided, single submitter. Criteria: GeneDx Variant Classification Process June 2021. Collection method: clinical testing. Allele origin: germline. Affected: yes.
Comment: Observed with a second MYO15A variant in a patient with hearing loss in published literature but it is not known whether the variants occurred on the same (in cis) or on different (in trans) chromosomes in some cases (PMID: 23767834, 34093702, 34325055); Not observed at significant frequency in large population cohorts (gnomAD); In silico analysis supports that this missense variant has a deleterious effect on protein structure/function; This variant is associated with the following publications: (PMID: 34093702, 35346193, 26242193, 32279305, 32747562, 30579064, 32645618, 34335733, 23767834, 36401330, 34974475, 31579092, 34325055)

Laboratory of Prof. Karen Avraham, Tel Aviv University
Classification: Pathogenic for Autosomal recessive nonsyndromic hearing loss 3. Last evaluated: 2016-02-16. Review status: no assertion criteria provided. Collection method: research. Allele origin: germline. Affected: yes. Not counted in ClinVar's aggregate classification.
Comment: Congenital, profound HL

NSHL; recessive, DFNB3

Literature cited by the submitters: PubMed 23767834 (cited by Laboratory of Prof. Karen Avraham, Tel Aviv University).

NM_016239.4(MYO15A):c.6340G>A (p.Val2114Met)

Gene: MYO15A (myosin XVA; plus strand). Cytogenetic location: 17p11.2.
Variant type: single nucleotide variant.
Coding change: c.6340G>A on transcript NM_016239.4 (MANE Select); coding-DNA position 6340, G replaced by A.
Protein change: p.Val2114Met; replaces valine 2114 with methionine.
Molecular consequence: missense variant.
Genome position (GRCh38, 1-based): chr17:18,145,938, G>A. VCF-style: chr17-18145938-G-A. GRCh37 (hg19) VCF-style: chr17-18049252-G-A.
Other names: short protein forms V2114M.
Identifiers: ClinVar variation 236040 (VCV000236040.2), dbSNP rs377385081, ClinGen allele CA8424575.